The following is an entry in ClinVar:

NM_014003.4(DHX38):c.665A>G (p.Tyr222Cys)

Gene: DHX38 (DEAH-box helicase 38; plus strand). Cytogenetic location: 16q22.2.
Variant type: single nucleotide variant.
Coding change: c.665A>G on transcript NM_014003.4 (MANE Select); coding-DNA position 665, A replaced by G.
Protein change: p.Tyr222Cys; replaces tyrosine 222 with cysteine.
Molecular consequence: missense variant.
Genome position (GRCh38, 1-based): chr16:72,098,693, A>G. VCF-style: chr16-72098693-A-G. GRCh37 (hg19) VCF-style: chr16-72132592-A-G.
Other names: short protein forms Y222C.
Identifiers: ClinVar variation 1438423 (VCV001438423.3), dbSNP rs1335993452, ClinGen allele CA396702652.
Genomic context (GRCh38, chr16:72,098,693, plus strand): 5'-TTTGTGGCCCAGATGCAGCCACCCCTTCAAGGTCTACCTGGGAGGAAGAGGACAGTGGCT[A>G]TGGCTCCTCAAGGCGCTCACAGTGGGAATCGCCCTCCCCGACGCCTTCCTATCGGGATTC-3'
Protein context (NP_054722.2, residues 212-232): RSTWEEEDSG[Tyr222Cys]GSSRRSQWES

ClinVar aggregate classification (germline): Uncertain significance (1 of 4 stars; one submission).

Allele frequency attached by ClinVar (database versions not stated): gnomAD exomes below 0.00001; TOPMed below 0.00001; gnomAD 0.00003.
gnomAD v4.1: 5 of 1,613,758 alleles (0.00031%); highest among the groups gnomAD compares: East Asian, 0.0022%; no homozygotes.

Submission:

Labcorp Genetics (formerly Invitae), Labcorp
Classification: Uncertain significance. Last evaluated: 2021-10-25. Review status: criteria provided, single submitter. Criteria: Invitae Variant Classification Sherloc (09022015). Collection method: clinical testing. Allele origin: germline.
Comment: This sequence change replaces tyrosine, which is neutral and polar, with cysteine, which is neutral and slightly polar, at codon 222 of the DHX38 protein (p.Tyr222Cys). This variant is present in population databases (no rsID available, gnomAD 0.06%). This variant has not been reported in the literature in individuals affected with DHX38-related conditions. Algorithms developed to predict the effect of missense changes on protein structure and function output the following: SIFT: "Deleterious"; PolyPhen-2: "Benign"; Align-GVGD: "Class C25". The cysteine amino acid residue is found in multiple mammalian species, which suggests that this missense change does not adversely affect protein function. In summary, the available evidence is currently insufficient to determine the role of this variant in disease. Therefore, it has been classified as a Variant of Uncertain Significance.